The following is an entry in ClinVar:

ClinVar aggregate classification (germline): Uncertain significance (1 of 4 stars; one submission).

gnomAD v4.1: 1 of 1,614,144 alleles (0.000062%); highest among the groups gnomAD compares: Non-Finnish European, 0.000085%; no homozygotes.

Submission:

GeneDx
Classification: Uncertain significance. Last evaluated: 2024-12-12. Review status: criteria provided, single submitter. Criteria: GeneDx Variant Classification Process June 2021. Collection method: clinical testing. Allele origin: germline. Affected: yes.
Comment: Not observed at significant frequency in large population cohorts (gnomAD); Nonsense variant predicted to result in protein truncation or nonsense mediated decay in a gene or region of a gene for which loss of function is not a well-established mechanism of disease; Has not been previously published as pathogenic or benign to our knowledge

NM_001080432.3(FTO):c.628C>T (p.Gln210Ter)

Gene: FTO (FTO alpha-ketoglutarate dependent dioxygenase; plus strand). Cytogenetic location: 16q12.2.
Variant type: single nucleotide variant.
Coding change: c.628C>T on transcript NM_001080432.3 (MANE Select); coding-DNA position 628, C replaced by T.
Protein change: p.Gln210Ter; replaces glutamine 210 with a stop codon.
Molecular consequence: nonsense.
Genome position (GRCh38, 1-based): chr16:53,826,368, C>T. VCF-style: chr16-53826368-C-T. GRCh37 (hg19) VCF-style: chr16-53860280-C-T.
Other names: c.628C>T, p.Gln210Ter (NM_001363891.2, NM_001363894.2, NM_001363896.2 and 6 more transcripts); c.550C>T, p.Gln184Ter (NM_001363897.2); c.115C>T, p.Gln39Ter (NM_001363905.2); short protein forms Q184*, Q210*, Q39*.
Identifiers: ClinVar variation 3903103 (VCV003903103.1).
Genomic context (GRCh38, chr16:53,826,368, plus strand): 5'-GAAGTGGACATTAAGAGCAGAGCAGCATACAACGTAACTTTGCTGAATTTCATGGATCCT[C>T]AGAAAATGCCATACCTGAAAGAGGAACCTTATTTTGGCATGGGGAAAATGGCAGTGAGCT-3'